The following is an entry in ClinVar:

ClinVar aggregate classification (germline): Uncertain significance. Review status: criteria provided, multiple submitters, no conflicts (2 of 4 stars). 2 submissions from 2 submitters: Uncertain significance (2). Last evaluated 2023-12-23.

Conditions:
Hereditary cancer-predisposing syndrome. Also called: Hereditary neoplastic syndrome; Neoplastic Syndromes, Hereditary; Hereditary Cancer Syndrome; Tumor predisposition. Identifiers: Orphanet 140162, MedGen C0027672, MeSH D009386, MONDO:0015356.
Gastrointestinal stromal tumor. Also called: Gastrointestinal stromal tumor, somatic; Gastrointestinal stroma tumor. Identifiers: Orphanet 44890, MedGen C0238198, MeSH D046152, MONDO:0011719, OMIM 606764, HP:0100723.

Submissions (2):

Ambry Genetics
Classification: Uncertain significance for Hereditary cancer-predisposing syndrome. Last evaluated: 2023-12-23. Review status: criteria provided, single submitter. Criteria: Ambry Variant Classification Scheme 2023. Collection method: clinical testing. Allele origin: germline.
Comment: The p.S692G variant (also known as c.2074A>G), located in coding exon 14 of the PDGFRA gene, results from an A to G substitution at nucleotide position 2074. The serine at codon 692 is replaced by glycine, an amino acid with similar properties. This amino acid position is conserved. In addition, this alteration is predicted to be tolerated by in silico analysis. Since supporting evidence is limited at this time, the clinical significance of this alteration remains unclear.

Labcorp Genetics (formerly Invitae), Labcorp
Classification: Uncertain significance for Gastrointestinal stromal tumor. Last evaluated: 2020-04-09. Review status: criteria provided, single submitter. Criteria: Invitae Variant Classification Sherloc (09022015). Collection method: clinical testing. Allele origin: germline.
Comment: This sequence change replaces serine with glycine at codon 692 of the PDGFRA protein (p.Ser692Gly). The serine residue is weakly conserved and there is a small physicochemical difference between serine and glycine. This variant is not present in population databases (ExAC no frequency). This variant has not been reported in the literature in individuals with PDGFRA-related conditions. Algorithms developed to predict the effect of missense changes on protein structure and function (SIFT, PolyPhen-2, Align-GVGD) all suggest that this variant is likely to be tolerated, but these predictions have not been confirmed by published functional studies and their clinical significance is uncertain. In summary, the available evidence is currently insufficient to determine the role of this variant in disease. Therefore, it has been classified as a Variant of Uncertain Significance.

NM_006206.6(PDGFRA):c.2074A>G (p.Ser692Gly)

Gene: PDGFRA (platelet derived growth factor receptor alpha; plus strand). Cytogenetic location: 4q12.
Variant type: single nucleotide variant.
Coding change: c.2074A>G on transcript NM_006206.6 (MANE Select); coding-DNA position 2074, A replaced by G.
Protein change: p.Ser692Gly; replaces serine 692 with glycine.
Molecular consequence: missense variant.
Genome position (GRCh38, 1-based): chr4:54,278,433, A>G. VCF-style: chr4-54278433-A-G. GRCh37 (hg19) VCF-style: chr4-55144600-A-G.
Other names: c.2074A>G, p.Ser692Gly (NM_001347827.2, NM_001347829.2); c.2149A>G, p.Ser717Gly (NM_001347828.2); c.2113A>G, p.Ser705Gly (NM_001347830.2); short protein forms S705G, S717G, S692G.
Identifiers: ClinVar variation 934262 (VCV000934262.11), dbSNP rs1723876482, ClinGen allele CA356893985.